The following is an entry in ClinVar:

ClinVar aggregate classification (germline): Uncertain significance (1 of 4 stars; one submission).

Conditions:
Congenital disorder of deglycosylation 1. Also called: NGLY1-Related Congenital Disorder of Deglycosylation; NGLY1-deficiency. Identifiers: Orphanet 404454, MedGen CN306977, MONDO:0800044, OMIM 615273.

gnomAD v4.1: 9 of 1,614,124 alleles (0.00056%); highest among the groups gnomAD compares: Non-Finnish European, 0.00076%; no homozygotes.

Submission:

3billion
Classification: Uncertain significance for Congenital disorder of deglycosylation 1. Last evaluated: 2025-12-18. Review status: criteria provided, single submitter. Criteria: ACMG Guidelines, 2015. Collection method: clinical testing. Allele origin: germline. Affected: yes.
Comment: The variant is observed at an extremely low frequency in the gnomAD v4.1.0 dataset (total allele frequency: <0.001%). Predicted Consequence/Location: Missense variant. The majority of the known disease-causing variants of this gene are variants expected to result in premature termination of the protein. In silico tool predictions suggest damaging effect of the variant on gene or gene product [REVEL: 0.79 (>=0.6, sensitivity 0.68 and specificity 0.92); 3Cnet: 0.92 (> 0.75, sensitivity 0.96 and precision 0.92)]. A different missense change at the same codon (p.Cys283Trp) has been reported to be associated with NGLY1-related disorder (ClinVar ID: VCV000988965 /PMID: 31957011). However the evidence of pathogenicity is insufficient at this time. Therefore, this variant is classified as VUS according to the recommendation of ACMG/AMP guideline.

Literature cited by the submitters: PubMed 31957011.

NM_018297.4(NGLY1):c.848G>A (p.Cys283Tyr)

Gene: NGLY1 (N-glycanase 1; minus strand). Cytogenetic location: 3p24.2.
Variant type: single nucleotide variant.
Coding change: c.848G>A on transcript NM_018297.4 (MANE Select); coding-DNA position 848, G replaced by A.
Protein change: p.Cys283Tyr; replaces cysteine 283 with tyrosine.
Molecular consequence: missense variant.
Genome position (GRCh38, 1-based): chr3:25,739,610, C>T on the plus strand (G>A on the coding strand, the complement: NGLY1 is on the minus strand). VCF-style: chr3-25739610-C-T. GRCh37 (hg19) VCF-style: chr3-25781101-C-T.
Other names: c.848G>A, p.Cys283Tyr (NM_001145293.2, NM_001145295.2); c.722G>A, p.Cys241Tyr (NM_001145294.2); short protein forms C241Y, C283Y.
Identifiers: ClinVar variation 4854053 (VCV004854053.1).